The following is an entry in ClinVar:

ClinVar aggregate classification (germline): Uncertain significance (1 of 4 stars; one submission).

Conditions:
Saldino-Mainzer syndrome (SRTD9). Also called: CONORENAL SYNDROME; Renal dysplasia, retinal pigmentary dystrophy, cerebellar ataxia and skeletal dysplasia; SHORT-RIB THORACIC DYSPLASIA 9 WITHOUT POLYDACTYLY; short-rib thoracic dysplasia 9 with or without polydactyly. Identifiers: Orphanet 140969, MedGen C1849437, MONDO:0009964, OMIM 266920.

Submission:

Labcorp Genetics (formerly Invitae), Labcorp
Classification: Uncertain significance for Saldino-Mainzer syndrome. Last evaluated: 2022-06-15. Review status: criteria provided, single submitter. Criteria: Invitae Variant Classification Sherloc (09022015). Collection method: clinical testing. Allele origin: germline.
Comment: This variant results in a copy number gain of the genomic region encompassing exon(s) 31 of the IFT140 gene. This region includes the termination codon of the gene. This copy number gain extends beyond the assayed region for this gene and therefore may encompass additional genes. As the precise location of this event is unknown, it may be in tandem or it may be located elsewhere in the genome. This variant has not been reported in the literature in individuals affected with IFT140-related conditions. In summary, the available evidence is currently insufficient to determine the role of this variant in disease. Therefore, it has been classified as a Variant of Uncertain Significance.

NC_000016.9:g.(?_1496632)_(1561171_?)dup

Genes: CLCN7 (Cl-/H+ antiporter 7; minus strand), IFT140 (intraflagellar transport 140; minus strand), PTX4 (pentraxin 4; minus strand), TELO2 (telomere maintenance 2; plus strand). Cytogenetic location: 16p13.3.
Variant type: Duplication.
Identifiers: ClinVar variation 2425967 (VCV002425967.3).